The following is an entry in ClinVar:

NM_001277313.2(FMN1):c.2044-1840A>G

Gene: FMN1 (formin 1; minus strand). Cytogenetic location: 15q13.3.
Variant type: single nucleotide variant.
Coding change: c.2044-1840A>G on transcript NM_001277313.2 (MANE Select); 1840 bases into the intron before coding-DNA position 2044, A replaced by G.
Molecular consequence: intron variant. On other transcripts: missense variant (1).
Genome position (GRCh38, 1-based): chr15:33,066,914, T>C on the plus strand (A>G on the coding strand, the complement: FMN1 is on the minus strand). VCF-style: chr15-33066914-T-C. GRCh37 (hg19) VCF-style: chr15-33359115-T-C.
Other names: c.971A>G, p.Gln324Arg (NM_001103184.4); short protein forms Q324R.
Identifiers: ClinVar variation 4697492 (VCV004697492.1).
Genomic context (GRCh38, chr15:33,066,914, plus strand): 5'-TGCTCCAGGAGAGTGGGAGTGGCCTTCGGATCAGTTGCTTTCTTCTCACTCTTCACTGTC[T>C]GCAGCCCTGCCTGCACTAAGGACTTCTGCACAGGCTGCGTCAATTTGAGCAAAGCTAAGT-3'

ClinVar aggregate classification (germline): Uncertain significance (1 of 4 stars; one submission).

gnomAD v4.1: 8 of 1,613,966 alleles (0.0005%); highest among the groups gnomAD compares: Non-Finnish European, 0.00068%; no homozygotes.

Submission:

Labcorp Genetics (formerly Invitae), Labcorp
Classification: Uncertain significance. Last evaluated: 2025-06-29. Review status: criteria provided, single submitter. Criteria: Invitae Variant Classification Sherloc (09022015). Collection method: clinical testing. Allele origin: germline.
Comment: This sequence change replaces glutamine, which is neutral and polar, with arginine, which is basic and polar, at codon 324 of the FMN1 protein (p.Gln324Arg). This variant is present in population databases (no rsID available, gnomAD 0.0009%). This variant has not been reported in the literature in individuals affected with FMN1-related conditions. Experimental studies and prediction algorithms are not available or were not evaluated, and the functional significance of this variant is currently unknown. In summary, the available evidence is currently insufficient to determine the role of this variant in disease. Therefore, it has been classified as a Variant of Uncertain Significance.